The following is an entry in ClinVar:

ClinVar aggregate classification (germline): Uncertain significance. Review status: criteria provided, multiple submitters, no conflicts (2 of 4 stars). 4 submissions from 3 submitters: Uncertain significance (4). Last evaluated 2025-09-23.

Conditions:
Usher syndrome type 1D (USH1D). Also called: USHER SYNDROME, TYPE ID. Identifiers: Orphanet 231169, Orphanet 886, MedGen C1832845, MONDO:0010984, OMIM 601067.
CDH23-related disorder. Also called: CDH23-related disorders; CDH23-related condition.
Autosomal recessive nonsyndromic hearing loss 12. Also called: DEAFNESS, AUTOSOMAL RECESSIVE 12. Identifiers: Orphanet 90636, MedGen C1832394, MONDO:0011067, OMIM 601386.

Allele frequency attached by ClinVar (database versions not stated): gnomAD exomes 0.00002 and 0.00004; TOPMed 0.00003; ExAC 0.00004; gnomAD 0.00005; ESP Exome Variant Server 0.00008.
gnomAD v4.1: 40 of 1,613,738 alleles (0.0025%); highest among the groups gnomAD compares: Middle Eastern, 0.017%; no homozygotes.

Submissions (4):

PreventionGenetics, part of Exact Sciences
Classification: Uncertain significance for CDH23-related condition. Last evaluated: 2025-09-23. Review status: criteria provided, single submitter. Criteria: ACMG Guidelines, 2015. Collection method: clinical testing. Allele origin: germline.
Comment: The CDH23 c.968G>A variant is predicted to result in the amino acid substitution p.Arg323His. To our knowledge, this variant has not been reported in the literature. This variant is reported in 0.0062% of alleles in individuals of European (Non-Finnish) descent in gnomAD. At this time, the clinical significance of this variant is uncertain due to the absence of conclusive functional and genetic evidence.

Labcorp Genetics (formerly Invitae), Labcorp
Classification: Uncertain significance. Last evaluated: 2022-08-20. Review status: criteria provided, single submitter. Criteria: Invitae Variant Classification Sherloc (09022015). Collection method: clinical testing. Allele origin: germline.
Comment: This sequence change replaces arginine, which is basic and polar, with histidine, which is basic and polar, at codon 323 of the CDH23 protein (p.Arg323His). This variant is present in population databases (rs181449189, gnomAD 0.006%). This variant has not been reported in the literature in individuals affected with CDH23-related conditions. ClinVar contains an entry for this variant (Variation ID: 880221). Algorithms developed to predict the effect of missense changes on protein structure and function are either unavailable or do not agree on the potential impact of this missense change (SIFT: "Deleterious"; PolyPhen-2: "Not Available"; Align-GVGD: "Class C25"). In summary, the available evidence is currently insufficient to determine the role of this variant in disease. Therefore, it has been classified as a Variant of Uncertain Significance.

Illumina Laboratory Services, Illumina
Classification: Uncertain significance for Autosomal recessive nonsyndromic hearing loss 12. Last evaluated: 2018-01-13. Review status: criteria provided, single submitter. Criteria: ICSL Variant Classification Criteria 13 December 2019. Collection method: clinical testing. Allele origin: germline.

Illumina Laboratory Services, Illumina
Classification: Uncertain significance for Usher syndrome type 1D. Last evaluated: 2018-01-13. Review status: criteria provided, single submitter. Criteria: ICSL Variant Classification Criteria 13 December 2019. Collection method: clinical testing. Allele origin: germline.

NM_022124.6(CDH23):c.968G>A (p.Arg323His)

Gene: CDH23 (cadherin related 23; plus strand). Cytogenetic location: 10q22.1.
Variant type: single nucleotide variant.
Coding change: c.968G>A on transcript NM_022124.6 (MANE Select); coding-DNA position 968, G replaced by A.
Protein change: p.Arg323His; replaces arginine 323 with histidine.
Molecular consequence: missense variant.
Genome position (GRCh38, 1-based): chr10:71,617,227, G>A. VCF-style: chr10-71617227-G-A. GRCh37 (hg19) VCF-style: chr10-73376984-G-A.
Other names: c.968G>A, p.Arg323His (NM_001171930.2, NM_001171931.2, NM_001171932.2 and 1 more transcripts); short protein forms R323H.
Identifiers: ClinVar variation 880221 (VCV000880221.6), dbSNP rs181449189, ClinGen allele CA5543612.